The following is an entry in ClinVar:

NM_020937.4(FANCM):c.2108T>G (p.Ile703Arg)

Gene: FANCM (FA complementation group M; plus strand). Cytogenetic location: 14q21.2.
Variant type: single nucleotide variant.
Coding change: c.2108T>G on transcript NM_020937.4 (MANE Select); coding-DNA position 2108, T replaced by G.
Protein change: p.Ile703Arg; replaces isoleucine 703 with arginine.
Molecular consequence: missense variant.
Genome position (GRCh38, 1-based): chr14:45,170,694, T>G. VCF-style: chr14-45170694-T-G. GRCh37 (hg19) VCF-style: chr14-45639897-T-G.
Other names: c.2030T>G, p.Ile677Arg (NM_001308133.2); short protein forms I703R, I677R.
Identifiers: ClinVar variation 844314 (VCV000844314.12), dbSNP rs1594792069, ClinGen allele CA389596201.

ClinVar aggregate classification (germline): Uncertain significance. Review status: criteria provided, multiple submitters, no conflicts (2 of 4 stars). 2 submissions from 2 submitters: Uncertain significance (2). Last evaluated 2025-03-29.

Conditions:
Fanconi anemia (FA). Also called: Fanconi's anemia. Identifiers: Orphanet 84, MedGen C0015625, MeSH D005199, MONDO:0019391.
Inborn genetic diseases. Identifiers: MedGen C0950123, MeSH D030342.

Submissions (2):

Ambry Genetics
Classification: Uncertain significance for Inborn genetic diseases. Last evaluated: 2025-03-29. Review status: criteria provided, single submitter. Criteria: Ambry Variant Classification Scheme 2023. Collection method: clinical testing. Allele origin: germline.
Comment: The p.I703R variant (also known as c.2108T>G), located in coding exon 12 of the FANCM gene, results from a T to G substitution at nucleotide position 2108. The isoleucine at codon 703 is replaced by arginine, an amino acid with similar properties. This amino acid position is conserved. In addition, this alteration is predicted to be tolerated by in silico analysis. Based on the available evidence, the clinical significance of this variant remains unclear.

Labcorp Genetics (formerly Invitae), Labcorp
Classification: Uncertain significance for Fanconi anemia. Last evaluated: 2019-01-31. Review status: criteria provided, single submitter. Criteria: Invitae Variant Classification Sherloc (09022015). Collection method: clinical testing. Allele origin: germline.
Comment: This variant has not been reported in the literature in individuals with FANCM-related conditions. In summary, the available evidence is currently insufficient to determine the role of this variant in disease. Therefore, it has been classified as a Variant of Uncertain Significance. Algorithms developed to predict the effect of missense changes on protein structure and function are either unavailable or do not agree on the potential impact of this missense change (SIFT: "Deleterious"; PolyPhen-2: "Benign"; Align-GVGD: "Class C0"). This variant is not present in population databases (ExAC no frequency). This sequence change replaces isoleucine with arginine at codon 703 of the FANCM protein (p.Ile703Arg). The isoleucine residue is weakly conserved and there is a moderate physicochemical difference between isoleucine and arginine.